The following is an entry in ClinVar:

ClinVar aggregate classification (germline): Uncertain significance (1 of 4 stars; one submission).

Allele frequency attached by ClinVar (database versions not stated): TOPMed below 0.00001; gnomAD 0.00001.
gnomAD v4.1: 4 of 1,614,030 alleles (0.00025%); highest among the groups gnomAD compares: Non-Finnish European, 0.00034%; no homozygotes.

Submission:

Labcorp Genetics (formerly Invitae), Labcorp
Classification: Uncertain significance. Last evaluated: 2023-06-16. Review status: criteria provided, single submitter. Criteria: Invitae Variant Classification Sherloc (09022015). Collection method: clinical testing. Allele origin: germline.
Comment: This sequence change replaces aspartic acid, which is acidic and polar, with glutamic acid, which is acidic and polar, at codon 491 of the CDH3 protein (p.Asp491Glu). This variant is present in population databases (no rsID available, gnomAD 0.007%). This variant has not been reported in the literature in individuals affected with CDH3-related conditions. Advanced modeling of protein sequence and biophysical properties (such as structural, functional, and spatial information, amino acid conservation, physicochemical variation, residue mobility, and thermodynamic stability) performed at Invitae indicates that this missense variant is not expected to disrupt CDH3 protein function. In summary, the available evidence is currently insufficient to determine the role of this variant in disease. Therefore, it has been classified as a Variant of Uncertain Significance.

NM_001793.6(CDH3):c.1473C>G (p.Asp491Glu)

Gene: CDH3 (cadherin 3; plus strand). Cytogenetic location: 16q22.1.
Variant type: single nucleotide variant.
Coding change: c.1473C>G on transcript NM_001793.6 (MANE Select); coding-DNA position 1473, C replaced by G.
Protein change: p.Asp491Glu; replaces aspartic acid 491 with glutamic acid.
Molecular consequence: missense variant.
Genome position (GRCh38, 1-based): chr16:68,685,253, C>G. VCF-style: chr16-68685253-C-G. GRCh37 (hg19) VCF-style: chr16-68719156-C-G.
Other names: c.1473C>G, p.Asp491Glu (NM_001317195.3); c.1308C>G, p.Asp436Glu (NM_001317196.2); short protein forms D436E, D491E.
Identifiers: ClinVar variation 2877095 (VCV002877095.3), dbSNP rs1394161554, ClinGen allele CA396454346.
Genomic context (GRCh38, chr16:68,685,253, plus strand): 5'-TTTCCTCTCCAGCTACCGCATCCTGAGAGACCCAGCAGGGTGGCTAGCCATGGACCCAGA[C>G]AGTGGGCAGGTCACAGCTGTGGGCACCCTCGACCGTGAGGATGAGCAGTTTGTGAGGAAC-3'
Protein context (NP_001784.2, residues 481-501): DPAGWLAMDP[Asp491Glu]SGQVTAVGTL